The following is an entry in ClinVar:

NM_000059.4(BRCA2):c.3375del (p.Phe1125fs)

Gene: BRCA2 (BRCA2 DNA repair associated; plus strand). Cytogenetic location: 13q13.1.
Variant type: Deletion.
Coding change: c.3375del on transcript NM_000059.4 (MANE Select); coding-DNA position 3375, one base deleted (T; older notation c.3375delT).
Protein change: p.Phe1125fs; shifts the reading frame from phenylalanine 1125.
Molecular consequence: frameshift variant. On other transcripts: non-coding transcript variant (1), intron variant (2).
Genome position (GRCh38, 1-based): chr13:32,337,730, T deleted; the last of 3 consecutive T bases (chr13:32,337,728-32,337,730); deleting any one gives the same sequence. VCF-style (leftmost placement, unchanged base first): chr13-32337727-GT-G. GRCh37 (hg19) VCF-style: chr13-32911864-GT-G.
Other names: c.3375del, p.Phe1125fs (NM_001406719.1, NM_001406720.1); c.1909+4343del (NM_001406721.1); c.424+6700del (NM_001406722.1); c.3375del (NM_000059.3); short protein forms F1125fs.
Identifiers: ClinVar variation 2451549 (VCV002451549.4), dbSNP rs2548525800, ClinGen allele CA2580087068.

ClinVar aggregate classification (germline): Pathogenic/Likely pathogenic. Review status: criteria provided, multiple submitters, no conflicts (2 of 4 stars). 3 submissions from 3 submitters: Pathogenic (1); Likely pathogenic (2). Last evaluated 2023-02-08.

Conditions:
Hereditary cancer-predisposing syndrome. Also called: Neoplastic Syndromes, Hereditary; Tumor predisposition; Hereditary neoplastic syndrome; Hereditary Cancer Syndrome. Identifiers: Orphanet 140162, MedGen C0027672, MeSH D009386, MONDO:0015356.
Familial cancer of breast. Also called: BREAST CANCER, FAMILIAL; Hereditary breast cancer; hereditary breast carcinoma. Identifiers: Orphanet 227535, MedGen C0346153, MONDO:0016419, OMIM 114480. Disease mechanism: loss of function.

Submissions (3):

Ambry Genetics
Classification: Pathogenic for Hereditary cancer-predisposing syndrome. Last evaluated: 2023-02-08. Review status: criteria provided, single submitter. Criteria: Ambry Variant Classification Scheme 2023. Collection method: clinical testing. Allele origin: germline.
Comment: The c.3375delT pathogenic mutation, located in coding exon 10 of the BRCA2 gene, results from a deletion of one nucleotide at nucleotide position 3375, causing a translational frameshift with a predicted alternate stop codon (p.F1125Lfs*25). This variant is considered to be rare based on population cohorts in the Genome Aggregation Database (gnomAD). This alteration is expected to result in loss of function by premature protein truncation or nonsense-mediated mRNA decay. As such, this alteration is interpreted as a disease-causing mutation.

Quest Diagnostics Nichols Institute San Juan Capistrano
Classification: Likely pathogenic. Last evaluated: 2022-10-20. Review status: criteria provided, single submitter. Criteria: Quest Diagnostics criteria. Collection method: clinical testing. Allele origin: unknown.
Comment: This frameshift variant alters the translational reading frame of the BRCA2 mRNA and is predicted to cause the premature termination of BRCA2 protein synthesis. To the best of our knowledge, the variant has not been reported in online databases or the published literature. It also has not been reported in large, multi-ethnic general populations. Based on the available information, this variant is classified as likely pathogenic.

Baylor Genetics
Classification: Likely pathogenic for Familial cancer of breast. Last evaluated: 2022-09-21. Review status: criteria provided, single submitter. Criteria: ACMG Guidelines, 2015. Collection method: clinical testing. Allele origin: unknown.